The following is an entry in ClinVar:

ClinVar aggregate classification (germline): Uncertain significance (1 of 4 stars; one submission).

Submission:

Labcorp Genetics (formerly Invitae), Labcorp
Classification: Uncertain significance. Last evaluated: 2022-12-08. Review status: criteria provided, single submitter. Criteria: Invitae Variant Classification Sherloc (09022015). Collection method: clinical testing. Allele origin: germline.
Comment: In summary, the available evidence is currently insufficient to determine the role of this variant in disease. Therefore, it has been classified as a Variant of Uncertain Significance. This variant has not been reported in the literature in individuals affected with ABRAXAS1-related conditions. This variant is present in population databases (rs776878945, gnomAD 0.006%). This variant, c.100_102del, results in the deletion of 1 amino acid(s) of the ABRAXAS1 protein (p.Leu34del), but otherwise preserves the integrity of the reading frame.

NM_139076.3(ABRAXAS1):c.97CTT[1] (p.Leu34del)

Gene: ABRAXAS1 (abraxas 1, BRCA1 A complex subunit; minus strand). Cytogenetic location: 4q21.23.
Variant type: Microsatellite.
Coding change: c.97CTT[1] on transcript NM_139076.3 (MANE Select); one copy of the 3-base unit CTT starting at c.97; the reference has two copies in a row; one copy, 3 bases deleted.
Protein change: p.Leu34del; deletes leucine 34.
Molecular consequence: inframe deletion. On other transcripts: 5 prime UTR variant (1).
Genome position (GRCh38, 1-based): chr4:83,482,230-83,482,232, AAG deleted on the plus strand (CTT on the coding strand, the reverse complement: ABRAXAS1 is on the minus strand); deleting any 3 consecutive bases within chr4:83,482,230-83,482,237 gives the same sequence; the position shown is the placement nearest the transcript's 3' end. VCF-style (leftmost placement, unchanged base first): chr4-83482229-CAAG-C. GRCh37 (hg19) VCF-style: chr4-84403382-CAAG-C.
Other names: c.-164CTT[1] (NM_001345962.2); short protein forms L34del.
Identifiers: ClinVar variation 3021106 (VCV003021106.3), dbSNP rs776878945, ClinGen allele CA2990646.